The following is an entry in ClinVar:

NM_152703.5(SAMD9L):c.2309del (p.Lys770fs)

Gene: SAMD9L (sterile alpha motif domain containing 9 like; minus strand). Cytogenetic location: 7q21.2.
Variant type: Deletion.
Coding change: c.2309del on transcript NM_152703.5 (MANE Select); coding-DNA position 2309, one base deleted (A; older notation c.2309delA).
Protein change: p.Lys770fs; shifts the reading frame from lysine 770.
Molecular consequence: frameshift variant.
Genome position (GRCh38, 1-based): chr7:93,133,663, T deleted on the plus strand (A on the coding strand, the reverse complement: SAMD9L is on the minus strand); the first of 2 consecutive T bases (chr7:93,133,663-93,133,664); deleting either gives the same sequence. VCF-style (leftmost placement, unchanged base first): chr7-93133662-CT-C. GRCh37 (hg19) VCF-style: chr7-92762975-CT-C.
Other names: c.2309del, p.Lys770fs (NM_001303496.3, NM_001303497.3, NM_001303498.3 and 5 more transcripts); short protein forms K770fs.
Identifiers: ClinVar variation 3239554 (VCV003239554.19), dbSNP rs2535421216.

ClinVar aggregate classification (germline): Likely pathogenic (1 of 4 stars; one submission).

Submission:

CeGaT Center for Human Genetics Tuebingen
Classification: Likely pathogenic. Last evaluated: 2024-05-01. Review status: criteria provided, single submitter. Criteria: CeGaT Center For Human Genetics Tuebingen Variant Classification Criteria Version 2. Collection method: clinical testing. Allele origin: germline. Affected: yes. Observed: 1 variant allele.
Comment: SAMD9L: PVS1:Strong, PM2